The following is an entry in ClinVar:

ClinVar aggregate classification (germline): Uncertain significance. Review status: criteria provided, multiple submitters, no conflicts (2 of 4 stars). 2 submissions from 2 submitters: Uncertain significance (2). Last evaluated 2023-08-12.

Conditions:
Genitopatellar syndrome (GTPTS). Also called: ABSENT PATELLAE, SCROTAL HYPOPLASIA, RENAL ANOMALIES, FACIAL DYSMORPHISM, AND MENTAL RETARDATION; Genitopatellar syndrome (GPS). Identifiers: Orphanet 85201, MedGen C1853566, MONDO:0011640, OMIM 606170.
KAT6B-related disorder. Also called: KAT6B-related disorders; KAT6B-related condition.

Allele frequency attached by ClinVar (database versions not stated): gnomAD exomes below 0.00001.
gnomAD v4.1: 1 of 1,613,468 alleles (0.000062%); highest among the groups gnomAD compares: South Asian, 0.0011%; no homozygotes.

Submissions (2):

PreventionGenetics, part of Exact Sciences
Classification: Uncertain significance for KAT6B-related condition. Last evaluated: 2023-08-12. Review status: criteria provided, single submitter. Criteria: ACMG Guidelines, 2015. Collection method: clinical testing. Allele origin: germline.
Comment: The KAT6B c.2861G>A variant is predicted to result in the amino acid substitution p.Arg954Lys. To our knowledge, this variant has not been reported in the literature or in a large population database, indicating this variant is rare. At this time, the clinical significance of this variant is uncertain due to the absence of conclusive functional and genetic evidence.

Labcorp Genetics (formerly Invitae), Labcorp
Classification: Uncertain significance for Genitopatellar syndrome. Last evaluated: 2023-07-22. Review status: criteria provided, single submitter. Criteria: Invitae Variant Classification Sherloc (09022015). Collection method: clinical testing. Allele origin: germline.
Comment: Variants that disrupt the consensus splice site are a relatively common cause of aberrant splicing (PMID: 17576681, 9536098). Algorithms developed to predict the effect of sequence changes on RNA splicing suggest that this variant may create or strengthen a splice site. This sequence change replaces arginine, which is basic and polar, with lysine, which is basic and polar, at codon 954 of the KAT6B protein (p.Arg954Lys). This variant also falls at the last nucleotide of exon 14, which is part of the consensus splice site for this exon. This variant is not present in population databases (gnomAD no frequency). This variant has not been reported in the literature in individuals affected with KAT6B-related conditions. Algorithms developed to predict the effect of missense changes on protein structure and function output the following: SIFT: "Not Available"; PolyPhen-2: "Benign"; Align-GVGD: "Not Available". The lysine amino acid residue is found in multiple mammalian species, which suggests that this missense change does not adversely affect protein function. In summary, the available evidence is currently insufficient to determine the role of this variant in disease. Therefore, it has been classified as a Variant of Uncertain Significance.

Literature cited by the submitters: PubMed 17576681 (cited by Labcorp Genetics (formerly Invitae), Labcorp); PubMed 9536098 (cited by Labcorp Genetics (formerly Invitae), Labcorp).

NM_012330.4(KAT6B):c.2861G>A (p.Arg954Lys)

Gene: KAT6B (lysine acetyltransferase 6B; plus strand). Cytogenetic location: 10q22.2.
Variant type: single nucleotide variant.
Coding change: c.2861G>A on transcript NM_012330.4 (MANE Select); coding-DNA position 2861, G replaced by A.
Protein change: p.Arg954Lys; replaces arginine 954 with lysine.
Molecular consequence: missense variant.
Genome position (GRCh38, 1-based): chr10:75,020,813, G>A. VCF-style: chr10-75020813-G-A. GRCh37 (hg19) VCF-style: chr10-76780571-G-A.
Other names: c.2312G>A, p.Arg771Lys (NM_001256468.2, NM_001370138.1); c.1985G>A, p.Arg662Lys (NM_001256469.2, NM_001370139.1, NM_001370140.1 and 2 more transcripts); c.1823G>A, p.Arg608Lys (NM_001370132.1); c.1172G>A, p.Arg391Lys (NM_001370133.1); c.776G>A, p.Arg259Lys (NM_001370134.1); c.518G>A, p.Arg173Lys (NM_001370135.1); c.2861G>A, p.Arg954Lys (NM_001370136.1, NM_001370137.1); c.1796G>A, p.Arg599Lys (NM_001370143.1, NM_001370144.1); short protein forms R173K, R259K, R391K, R599K, R608K, R662K, R771K, R954K.
Identifiers: ClinVar variation 2631648 (VCV002631648.4), dbSNP rs2549162128, ClinGen allele CA377281409.